The following is an entry in ClinVar:

ClinVar aggregate classification (germline): Uncertain significance (1 of 4 stars; one submission).

gnomAD v4.1: 8 of 1,613,720 alleles (0.0005%); highest among the groups gnomAD compares: Non-Finnish European, 0.00068%; no homozygotes.

Submission:

Women's Health and Genetics/Laboratory Corporation of America, LabCorp
Classification: Uncertain significance. Last evaluated: 2024-05-01. Review status: criteria provided, single submitter. Criteria: LabCorp Variant Classification Summary - May 2015. Collection method: clinical testing. Allele origin: germline.
Comment: Variant summary: USH2A c.949C>T (p.Arg317Trp) results in a non-conservative amino acid change located in the Laminin, N-terminal domain (IPR008211) of the encoded protein sequence. Three of four in-silico tools predict a damaging effect of the variant on protein function. The variant allele was found at a frequency of 4e-06 in 250788 control chromosomes. The available data on variant occurrences in the general population are insufficient to allow any conclusion about variant significance. To our knowledge, no occurrence of c.949C>T in individuals affected with Usher Syndrome and no experimental evidence demonstrating its impact on protein function have been reported. No submitters have cited clinical-significance assessments for this variant to ClinVar. Based on the evidence outlined above, the variant was classified as uncertain significance.

NM_206933.4(USH2A):c.949C>T (p.Arg317Trp)

Gene: USH2A (usherin; minus strand). Cytogenetic location: 1q41.
Variant type: single nucleotide variant.
Coding change: c.949C>T on transcript NM_206933.4 (MANE Select); coding-DNA position 949, C replaced by T.
Protein change: p.Arg317Trp; replaces arginine 317 with tryptophan.
Molecular consequence: missense variant.
Genome position (GRCh38, 1-based): chr1:216,325,499, G>A on the plus strand (C>T on the coding strand, the complement: USH2A is on the minus strand). VCF-style: chr1-216325499-G-A. GRCh37 (hg19) VCF-style: chr1-216498841-G-A.
Other names: c.949C>T, p.Arg317Trp (NM_007123.6); short protein forms R317W.
Identifiers: ClinVar variation 3336272 (VCV003336272.1).